The following is an entry in ClinVar:

ClinVar aggregate classification (germline): Uncertain significance (1 of 4 stars; one submission).

Conditions:
KAT6B-related multiple congenital anomalies syndrome. Identifiers: Orphanet 597749, MedGen C5680266, MONDO:0036042.

Submission:

Dasa
Classification: Uncertain significance for KAT6B-related multiple congenital anomalies syndrome. Last evaluated: 2025-03-19. Review status: criteria provided, single submitter. Criteria: DASA Assertion Criteria. Collection method: clinical testing. Allele origin: germline.
Comment: NM_012330.4(KAT6B):c.6011_6028dup (p.Asn2009_His2010insArgGlyTyrHisSerAsn) is an in-frame insertion/deletion-insertion predicted to alter the protein sequence without shifting the reading frame. This variant is absent from population databases. The currently available literature and clinical evidence are not sufficient to establish a definitive association between this variant and the reported condition. Therefore, this variant is classified as a variant of uncertain significance.

NM_012330.4(KAT6B):c.6011_6028dup (p.Asn2009_His2010insArgGlyTyrHisSerAsn)

Gene: KAT6B (lysine acetyltransferase 6B; plus strand). Cytogenetic location: 10q22.2.
Variant type: Duplication.
Coding change: c.6011_6028dup on transcript NM_012330.4 (MANE Select); coding-DNA positions 6011 to 6028, 18 bases duplicated (GTGGCTACCACAGCAATC).
Protein change: p.Asn2009_His2010insArgGlyTyrHisSerAsn.
Molecular consequence: inframe insertion.
Genome position (GRCh38, 1-based): chr10:75,030,835-75,030,852, GTGGCTACCACAGCAATC duplicated. VCF-style (leftmost placement, unchanged base first): chr10-75030834-A-AGTGGCTACCACAGCAATC. GRCh37 (hg19) VCF-style: chr10-76790592-A-AGTGGCTACCACAGCAATC.
Other names: c.5462_5479dup, p.Asn1826_His1827insArgGlyTyrHisSerAsn (NM_001256468.2, NM_001370138.1); c.5135_5152dup, p.Asn1717_His1718insArgGlyTyrHisSerAsn (NM_001256469.2, NM_001370139.1, NM_001370140.1 and 2 more transcripts); c.4973_4990dup, p.Asn1663_His1664insArgGlyTyrHisSerAsn (NM_001370132.1); c.4322_4339dup, p.Asn1446_His1447insArgGlyTyrHisSerAsn (NM_001370133.1); c.3926_3943dup, p.Asn1314_His1315insArgGlyTyrHisSerAsn (NM_001370134.1); c.3668_3685dup, p.Asn1228_His1229insArgGlyTyrHisSerAsn (NM_001370135.1); c.6011_6028dup, p.Asn2009_His2010insArgGlyTyrHisSerAsn (NM_001370136.1, NM_001370137.1); c.4946_4963dup, p.Asn1654_His1655insArgGlyTyrHisSerAsn (NM_001370143.1, NM_001370144.1).
Identifiers: ClinVar variation 4884127 (VCV004884127.2).
Genomic context (GRCh38, chr10:75,030,834, plus strand): 5'-ATGAACATGAACACTCTCAACGCCATGAATGGGTACAGCATGTCCCAGCCAATGATGAAC[A>AGTGGCTACCACAGCAATC]GTGGCTACCACAGCAATCATGGCTATATGAATCAAACGCCCCAATACCCTATGCAGATGC-3'